The following is an entry in ClinVar:

NM_001385641.1(SAMD11):c.1103A>G (p.Glu368Gly)

Gene: SAMD11 (sterile alpha motif domain containing 11; plus strand). Cytogenetic location: 1p36.33.
Variant type: single nucleotide variant.
Coding change: c.1103A>G on transcript NM_001385641.1 (MANE Select); coding-DNA position 1103, A replaced by G.
Protein change: p.Glu368Gly; replaces glutamic acid 368 with glycine.
Molecular consequence: missense variant.
Genome position (GRCh38, 1-based): chr1:939,320, A>G. VCF-style: chr1-939320-A-G. GRCh37 (hg19) VCF-style: chr1-874700-A-G.
Other names: c.1106A>G, p.Glu369Gly (NM_001385640.1); c.566A>G, p.Glu189Gly (NM_152486.4); short protein forms E368G, E369G, E189G.
Identifiers: ClinVar variation 1931435 (VCV001931435.5), dbSNP rs1641623587, ClinGen allele CA337800369.

ClinVar aggregate classification (germline): Uncertain significance (1 of 4 stars; one submission).

Allele frequency attached by ClinVar (database versions not stated): TOPMed below 0.00001.

Submission:

Labcorp Genetics (formerly Invitae), Labcorp
Classification: Uncertain significance. Last evaluated: 2022-01-28. Review status: criteria provided, single submitter. Criteria: Invitae Variant Classification Sherloc (09022015). Collection method: clinical testing. Allele origin: germline.
Comment: In summary, the available evidence is currently insufficient to determine the role of this variant in disease. Therefore, it has been classified as a Variant of Uncertain Significance. Algorithms developed to predict the effect of missense changes on protein structure and function are either unavailable or do not agree on the potential impact of this missense change (SIFT: "Deleterious"; PolyPhen-2: "Possibly Damaging"; Align-GVGD: "Class C0"). This variant has not been reported in the literature in individuals affected with SAMD11-related conditions. This variant is not present in population databases (gnomAD no frequency). This sequence change replaces glutamic acid, which is acidic and polar, with glycine, which is neutral and non-polar, at codon 189 of the SAMD11 protein (p.Glu189Gly).